The following is an entry in ClinVar:

NM_182961.4(SYNE1):c.23766A>G (p.Ile7922Met)

Gene: SYNE1 (spectrin repeat containing nuclear envelope protein 1; minus strand). Cytogenetic location: 6q25.2.
Variant type: single nucleotide variant.
Coding change: c.23766A>G on transcript NM_182961.4 (MANE Select); coding-DNA position 23766, A replaced by G.
Protein change: p.Ile7922Met; replaces isoleucine 7922 with methionine.
Molecular consequence: missense variant.
Genome position (GRCh38, 1-based): chr6:152,164,187, T>C on the plus strand (A>G on the coding strand, the complement: SYNE1 is on the minus strand). VCF-style: chr6-152164187-T-C. GRCh37 (hg19) VCF-style: chr6-152485322-T-C.
Other names: c.372A>G, p.Ile124Met (NM_001347701.2); c.231A>G, p.Ile77Met (NM_001347702.2); c.23553A>G, p.Ile7851Met (NM_033071.5); short protein forms I77M, I7922M, I124M, I7851M.
Identifiers: ClinVar variation 1524783 (VCV001524783.8), dbSNP rs1399057012, ClinGen allele CA366088576.

ClinVar aggregate classification (germline): Uncertain significance (1 of 4 stars; one submission).

Conditions:
Emery-Dreifuss muscular dystrophy 4, autosomal dominant (EDMD4). Also called: EMERY-DREIFUSS MUSCULAR DYSTROPHY 4 WITH VARIABLE FEATURES. Identifiers: Orphanet 261, MedGen C2751807, MONDO:0013071, OMIM 612998.
Autosomal recessive ataxia, Beauce type. Also called: Spinocerebellar ataxia, autosomal recessive 8; ATAXIA, RECESSIVE, OF BEAUCE; SYNE1 Deficiency; SYNE1-Related Autosomal Recessive Cerebellar Ataxia. Identifiers: Orphanet 88644, MedGen C1853116, MONDO:0012549, OMIM 610743.

Allele frequency attached by ClinVar (database versions not stated): gnomAD exomes below 0.00001 and 0.00001.
gnomAD v4.1: 1 of 1,614,208 alleles (0.000062%); highest among the groups gnomAD compares: Admixed American, 0.0017%; no homozygotes.

Submission:

Labcorp Genetics (formerly Invitae), Labcorp
Classification: Uncertain significance for Emery-Dreifuss muscular dystrophy 4, autosomal dominant; Autosomal recessive ataxia, Beauce type. Last evaluated: 2026-01-02. Review status: criteria provided, single submitter. Criteria: Invitae Variant Classification Sherloc (09022015). Collection method: clinical testing. Allele origin: germline.
Comment: This sequence change replaces isoleucine, which is neutral and non-polar, with methionine, which is neutral and non-polar, at codon 7851 of the SYNE1 protein (p.Ile7851Met). This variant is present in population databases (no rsID available, gnomAD 0.003%). This variant has not been reported in the literature in individuals affected with SYNE1-related conditions. ClinVar contains an entry for this variant (Variation ID: 1524783). An algorithm developed to predict the effect of missense changes on protein structure and function (PolyPhen-2) suggests that this variant is likely to be disruptive. In summary, the available evidence is currently insufficient to determine the role of this variant in disease. Therefore, it has been classified as a Variant of Uncertain Significance.